The following is an entry in ClinVar:

ClinVar aggregate classification (germline): Uncertain significance. Review status: criteria provided, multiple submitters, no conflicts (2 of 4 stars). 3 submissions from 3 submitters: Uncertain significance (2). 1 of the submissions does not count toward it. Last evaluated 2026-02-24.

Conditions:
Joubert syndrome. Also called: Familial aplasia of the vermis; JOUBERT-BOLTSHAUSER SYNDROME. Identifiers: Orphanet 475, MedGen C5979921, MONDO:0018772.
Nephronophthisis. Also called: Juvenile Nephronophthisis. Identifiers: Orphanet 655, MedGen C0687120, MONDO:0019005, HP:0000090.
Meckel-Gruber syndrome. Also called: DYSENCEPHALIA SPLANCHNOCYSTICA; GRUBER SYNDROME; Dysencephalia splachnocystica. Identifiers: Orphanet 564, MedGen C0265215, MONDO:0018921.
CEP290-related disorder. Also called: CEP290-related disorders; CEP290-related condition. Identifiers: MedGen CN239314.
Leber congenital amaurosis (LCA). Also called: Leber's amaurosis. Identifiers: Orphanet 65, MedGen C0339527, MeSH D057130, MONDO:0018998.

Allele frequency attached by ClinVar (database versions not stated): ExAC below 0.00001; TOPMed below 0.00001; gnomAD 0.00001; gnomAD exomes 0.00001; 1000 Genomes Project 30x 0.00016; 1000 Genomes Project 0.00020.
gnomAD v4.1: 12 of 1,487,174 alleles (0.00081%); highest among the groups gnomAD compares: Non-Finnish European, 0.00083%; no homozygotes.

Submissions (3):

PreventionGenetics, part of Exact Sciences
Classification: Uncertain significance for CEP290-related condition. Last evaluated: 2026-02-24. Review status: criteria provided, single submitter. Criteria: ACMG Guidelines, 2015. Collection method: clinical testing. Allele origin: germline.
Comment: The CEP290 c.7124T>C variant is predicted to result in the amino acid substitution p.Ile2375Thr. To our knowledge, this variant has not been reported in the literature or in a large population database (gnomAD), indicating this variant is rare. At this time, the clinical significance of this variant is uncertain due to the absence of conclusive functional and genetic evidence.

Labcorp Genetics (formerly Invitae), Labcorp
Classification: Uncertain significance for Joubert syndrome; Meckel-Gruber syndrome; Nephronophthisis. Last evaluated: 2022-02-03. Review status: criteria provided, single submitter. Criteria: Invitae Variant Classification Sherloc (09022015). Collection method: clinical testing. Allele origin: germline.
Comment: This sequence change replaces isoleucine, which is neutral and non-polar, with threonine, which is neutral and polar, at codon 2375 of the CEP290 protein (p.Ile2375Thr). This variant is not present in population databases (gnomAD no frequency). This variant has not been reported in the literature in individuals affected with CEP290-related conditions. ClinVar contains an entry for this variant (Variation ID: 1002678). Algorithms developed to predict the effect of missense changes on protein structure and function output the following: SIFT: "Tolerated"; PolyPhen-2: "Benign"; Align-GVGD: "Class C0". The threonine amino acid residue is found in multiple mammalian species, which suggests that this missense change does not adversely affect protein function. In summary, the available evidence is currently insufficient to determine the role of this variant in disease. Therefore, it has been classified as a Variant of Uncertain Significance.

Natera, Inc.
Classification: Uncertain significance for Leber congenital amaurosis. Last evaluated: 2020-03-04. Review status: no assertion criteria provided. Collection method: clinical testing. Allele origin: germline. Not counted in ClinVar's aggregate classification.

NM_025114.4(CEP290):c.7124T>C (p.Ile2375Thr)

Gene: CEP290 (centrosomal protein 290; minus strand). Cytogenetic location: 12q21.32.
Variant type: single nucleotide variant.
Coding change: c.7124T>C on transcript NM_025114.4 (MANE Select); coding-DNA position 7124, T replaced by C.
Protein change: p.Ile2375Thr; replaces isoleucine 2375 with threonine.
Molecular consequence: missense variant.
Genome position (GRCh38, 1-based): chr12:88,053,657, A>G on the plus strand (T>C on the coding strand, the complement: CEP290 is on the minus strand). VCF-style: chr12-88053657-A-G. GRCh37 (hg19) VCF-style: chr12-88447434-A-G.
Other names: c.7124T>C (NM_025114.3); short protein forms I2375T.
Identifiers: ClinVar variation 1002678 (VCV001002678.8), dbSNP rs540340404, ClinGen allele CA6711353.
Genomic context (GRCh38, chr12:88,053,657, plus strand): 5'-CAAACCCAAATTCAAAAACTTGGGGGTAGCTAACATGTTTTTTAAAATACATTACCAGGT[A>G]TGGTGCTTTCAGCTCCACTTTGGTCCTTGTTAGCTTCTATCTGATGGATTAATTCTGCTT-3'
Protein context (NP_079390.3, residues 2365-2385): NKDQSGAEST[Ile2375Thr]PDADQLKEKI